The following is an entry in ClinVar:

ClinVar aggregate classification (germline): Pathogenic/Likely pathogenic. Review status: criteria provided, multiple submitters, no conflicts (2 of 4 stars). 10 submissions from 10 submitters: Pathogenic (7); Likely pathogenic (3). Last evaluated 2026-06-17.

Conditions:
OCA2-related disorder. Also called: OCA2-related condition.
Tyrosinase-positive oculocutaneous albinism (OCA2). Also called: Oculocutaneous albinism type 2; ALBINISM II; Albinism, oculocutaneous, type II. Identifiers: Orphanet 79432, MedGen C0268495, MONDO:0008746, OMIM 203200.
SKIN/HAIR/EYE PIGMENTATION 1, BLUE/NONBLUE EYES (SHEP1). Also called: HAIR COLOR 3; SKIN/HAIR/EYE PIGMENTATION 1, BLOND/BROWN HAIR; BROWN EYE COLOR 2; EYE COLOR 3; EYE COLOR, BLUE/NONBLUE; EYE COLOR, BROWN/BLUE. Identifiers: MedGen C1856895, OMIM 227220.

Allele frequency attached by ClinVar (database versions not stated): gnomAD exomes below 0.00001; ExAC 0.00001; gnomAD 0.00007 and 0.00008; ESP Exome Variant Server 0.00008; TOPMed 0.00008; 1000 Genomes Project 30x 0.00016; 1000 Genomes Project 0.00020.
gnomAD v4.1: 69 of 1,614,106 alleles (0.0043%); highest among the groups gnomAD compares: Middle Eastern, 0.033%; no homozygotes.

Submissions (10):

PreventionGenetics, part of Exact Sciences
Classification: Pathogenic for OCA2-related condition. Last evaluated: 2026-06-17. Review status: criteria provided, single submitter. Criteria: ACMG Guidelines, 2015. Collection method: clinical testing. Allele origin: germline.
Comment: The OCA2 c.1503+5G>A variant is predicted to interfere with splicing. This intronic variant is predicted to weaken the nearby splice donor site (SpliceAI, Jaganathan et al. 2019. PubMed ID: 30661751). A functional study using RT-PCR analysis confirmed that this variant results in an abnormal mRNA transcript due to splicing errors (Rimoldi et al. 2014. PubMed ID: 24361966). This variant has been reported in multiple individuals with oculocutaneous albinism (Rimoldi et al. 2014. PubMed ID: 24361966; Zhong et al. 2019. PubMed ID: 31077556). This variant is present in 0.012% of alleles in individuals of African descent in gnomAD. This variant is interpreted as pathogenic.

Labcorp Genetics (formerly Invitae), Labcorp
Classification: Pathogenic. Last evaluated: 2026-02-02. Review status: criteria provided, single submitter. Criteria: Invitae Variant Classification Sherloc (09022015). Collection method: clinical testing. Allele origin: germline.
Comment: This sequence change falls in intron 14 of the OCA2 gene. It does not directly change the encoded amino acid sequence of the OCA2 protein. It affects a nucleotide within the consensus splice site. This variant is present in population databases (rs368124046, gnomAD 0.01%). This variant has been observed in individuals with oculocutaneous albinism (PMID: 24361966, 29345414; internal data). ClinVar contains an entry for this variant (Variation ID: 211768). Variants that disrupt the consensus splice site are a relatively common cause of aberrant splicing (PMID: 17576681, 9536098). Studies have shown that this variant alters mRNA splicing and is expected to lead to the loss of protein expression (PMID: 24361966). For these reasons, this variant has been classified as Pathogenic.

GeneDx
Classification: Pathogenic. Last evaluated: 2025-10-16. Review status: criteria provided, single submitter. Criteria: GeneDx Variant Classification Process June 2021. Collection method: clinical testing. Allele origin: germline. Affected: yes.
Comment: Intronic variant directly or indirectly altering the +5 splice site in a gene for which loss of function is a known mechanism of disease, and splice predictors support a deleterious effect; Published functional studies demonstrate the use of a cryptic splice donor site within intron 14, with sequencing of aberrant transcript demonstrating it results in a frameshift, starting with codon Glycine 502, changing this amino acid to a Valine residue, and creating a premature Stop codon at position 84 of the new reading frame, denoted p.Gly502ValfsX84 (PMID: 24361966); This variant is associated with the following publications: (PMID: 15712365, 10649493, 24361966, 31077556, 38219857, 36098180)

First Genomix Gene Laboratory, Genetic Diagnostics Department
Classification: Pathogenic for Tyrosinase-positive oculocutaneous albinism. Last evaluated: 2025-09-19. Review status: criteria provided, single submitter. Criteria: ACMG Guidelines, 2015. Collection method: clinical testing. Allele origin: germline. Inheritance: Autosomal recessive inheritance. Affected: no. Observed: 1 variant allele.

Baylor Genetics
Classification: Pathogenic for SKIN/HAIR/EYE PIGMENTATION 1, BLUE/NONBLUE EYES. Last evaluated: 2024-03-25. Review status: criteria provided, single submitter. Criteria: ACMG Guidelines, 2015. Collection method: clinical testing. Allele origin: unknown.

Blueprint Genetics
Classification: Pathogenic for OCA2-related disorders. Last evaluated: 2022-09-19. Review status: criteria provided, single submitter. Criteria: ACMG Guidelines, 2015. Collection method: clinical testing. Allele origin: germline. Affected: yes. Observed: 5 variant alleles.

Fulgent Genetics
Classification: Likely pathogenic for Tyrosinase-positive oculocutaneous albinism; SKIN/HAIR/EYE PIGMENTATION 1, BLUE/NONBLUE EYES. Last evaluated: 2022-04-22. Review status: criteria provided, single submitter. Criteria: ACMG Guidelines, 2015. Collection method: clinical testing. Allele origin: unknown.

Genome-Nilou Lab
Classification: Likely pathogenic for Tyrosinase-positive oculocutaneous albinism. Last evaluated: 2021-11-07. Review status: criteria provided, single submitter. Criteria: ACMG Guidelines, 2015. Collection method: clinical testing. Allele origin: germline. Affected: no.

Molecular Diagnostics Laboratory, M Health Fairview: University of Minnesota
Classification: Likely pathogenic for Tyrosinase-positive oculocutaneous albinism. Last evaluated: 2016-05-31. Review status: criteria provided, single submitter. Criteria: ACMG Guidelines, 2015. Collection method: clinical testing. Allele origin: germline. Affected: yes. Observed: 1 variant allele.

Genetic Services Laboratory, University of Chicago
Classification: Pathogenic for Albinism, oculocutaneous, type II. Last evaluated: 2015-05-26. Review status: criteria provided, single submitter. Criteria: ACMG Guidelines, 2015. Collection method: clinical testing. Allele origin: germline. Affected: yes.

Literature cited by the submitters: PubMed 24361966 (cited by Labcorp Genetics (formerly Invitae), Labcorp and Molecular Diagnostics Laboratory, M Health Fairview: University of Minnesota); PubMed 29345414 (cited by Labcorp Genetics (formerly Invitae), Labcorp); PubMed 17576681 (cited by Labcorp Genetics (formerly Invitae), Labcorp); PubMed 9536098 (cited by Labcorp Genetics (formerly Invitae), Labcorp).

NM_000275.3(OCA2):c.1503+5G>A

Gene: OCA2 (OCA2 melanosomal transmembrane protein; minus strand). Cytogenetic location: 15q13.1.
Variant type: single nucleotide variant.
Coding change: c.1503+5G>A on transcript NM_000275.3 (MANE Select); 5 bases into the intron after coding-DNA position 1503, G replaced by A.
Molecular consequence: intron variant.
Genome position (GRCh38, 1-based): chr15:27,983,340, C>T on the plus strand (G>A on the coding strand, the complement: OCA2 is on the minus strand). VCF-style: chr15-27983340-C-T. GRCh37 (hg19) VCF-style: chr15-28228486-C-T.
Other names: c.1431+5G>A (NM_001300984.2).
Identifiers: ClinVar variation 211768 (VCV000211768.27), dbSNP rs368124046, ClinGen allele CA277168.